The following is an entry in ClinVar:

ClinVar aggregate classification (germline): Uncertain significance (1 of 4 stars; one submission).

Submission:

GeneDx
Classification: Uncertain significance. Last evaluated: 2026-10-08. Review status: criteria provided, single submitter. Criteria: GeneDx Variant Classification Process June 2021. Collection method: clinical testing. Allele origin: germline.
Comment: Not observed at significant frequency in large population cohorts (gnomAD); In silico analysis supports that this missense variant has a deleterious effect on protein structure/function; This variant is associated with the following publications: (PMID: 41292648)

NM_001009944.3(PKD1):c.9376A>G (p.Thr3126Ala)

Gene: PKD1 (polycystin 1, transient receptor potential channel interacting; minus strand). Cytogenetic location: 16p13.3.
Variant type: single nucleotide variant.
Coding change: c.9376A>G on transcript NM_001009944.3 (MANE Select); coding-DNA position 9376, A replaced by G.
Protein change: p.Thr3126Ala; replaces threonine 3126 with alanine.
Molecular consequence: missense variant.
Genome position (GRCh38, 1-based): chr16:2,102,082, T>C on the plus strand (A>G on the coding strand, the complement: PKD1 is on the minus strand). VCF-style: chr16-2102082-T-C. GRCh37 (hg19) VCF-style: chr16-2152083-T-C.
Other names: c.9376A>G, p.Thr3126Ala (NM_000296.4); short protein forms T3126A.
Identifiers: ClinVar variation 1806711 (VCV001806711.2), dbSNP rs2544729948, ClinGen allele CA394357681.